The following is an entry in ClinVar:

ClinVar aggregate classification (germline): Pathogenic (1 of 4 stars; one submission).

Submission:

Labcorp Genetics (formerly Invitae), Labcorp
Classification: Pathogenic. Last evaluated: 2023-02-05. Review status: criteria provided, single submitter. Criteria: Invitae Variant Classification Sherloc (09022015). Collection method: clinical testing. Allele origin: germline.
Comment: For these reasons, this variant has been classified as Pathogenic. This variant has not been reported in the literature in individuals affected with TG-related conditions. This variant is not present in population databases (gnomAD no frequency). This sequence change creates a premature translational stop signal (p.Cys1042*) in the TG gene. It is expected to result in an absent or disrupted protein product. Loss-of-function variants in TG are known to be pathogenic (PMID: 19837936, 23164529).

Literature cited by the submitters: PubMed 19837936; PubMed 23164529.

NM_003235.5(TG):c.3126C>A (p.Cys1042Ter)

Gene: TG (thyroglobulin; plus strand). Cytogenetic location: 8q24.22.
Variant type: single nucleotide variant.
Coding change: c.3126C>A on transcript NM_003235.5 (MANE Select); coding-DNA position 3126, C replaced by A.
Protein change: p.Cys1042Ter; replaces cysteine 1042 with a stop codon.
Molecular consequence: nonsense.
Genome position (GRCh38, 1-based): chr8:132,897,773, C>A. VCF-style: chr8-132897773-C-A. GRCh37 (hg19) VCF-style: chr8-133910018-C-A.
Other names: short protein forms C1042*.
Identifiers: ClinVar variation 2790172 (VCV002790172.3), dbSNP rs2490009978, ClinGen allele CA372240466.